The following is an entry in ClinVar:

ClinVar aggregate classification (germline): Uncertain significance (1 of 4 stars; one submission).

Conditions:
Overgrowth syndrome and/or cerebral malformations due to abnormalities in MTOR pathway genes. Identifiers: MedGen CN300503, MONDO:0100283.

Submission:

Clinical Genomics Laboratory, Washington University in St. Louis
Classification: Uncertain significance for Overgrowth syndrome and/or cerebral malformations due to abnormalities in MTOR pathway genes. Last evaluated: 2026-02-26. Review status: criteria provided, single submitter. Criteria: Leon-Quintero et al. (Clin Genet. 2025). Collection method: clinical testing. Allele origin: somatic.
Comment: An MTOR c.4359_4379del (p.His1454_Leu1460del) variant was identified at an allelic fraction consistent with somatic origin. This variant has been reported in the literature in an individual with a kidney tumor as a variant of uncertain significance (Liu Y et al., PMID: 40474716). It is absent from the general population (gnomAD v4.1.0), indicating it is not a common variant and resides within a region, the kinase domain, of MTOR that is defined as a critical functional domain (Lai A et al., PMID: 35997716). The MTOR c.4359_4379del (p.His1454_Leu1460del) variant is predicted to cause a change in the length of the protein due to an in-frame deletion of seven amino acids in a non-repeat region. Based on available information and an internally developed protocol informed by the ACMG/AMP guidelines for variant interpretation and gene-specific practices from the ClinGen Criteria Specification Registry (Leon-Quintero FZ et al., PMID: 39434542), the MTOR c.4359_4379del (p.His1454_Leu1460del) variant is classified as a variant of uncertain significance.

NM_004958.4(MTOR):c.4359_4379del (p.His1454_Leu1460del)

Gene: MTOR (mechanistic target of rapamycin kinase; minus strand). Cytogenetic location: 1p36.22.
Variant type: Deletion.
Coding change: c.4359_4379del on transcript NM_004958.4 (MANE Select); coding-DNA positions 4359 to 4379, 21 bases deleted (GCACGAGTGGGAGGATGCCCT).
Protein change: p.His1454_Leu1460del.
Genome position (GRCh38, 1-based): chr1:11,157,242-11,157,262, AGGGCATCCTCCCACTCGTGC deleted on the plus strand (GCACGAGTGGGAGGATGCCCT on the coding strand, the reverse complement: MTOR is on the minus strand); deleting any 21 consecutive bases within chr1:11,157,242-11,157,264 gives the same sequence; the c. name uses the placement nearest the transcript's 3' end. VCF-style (leftmost placement, unchanged base first): chr1-11157241-AAGGGCATCCTCCCACTCGTGC-A. GRCh37 (hg19) VCF-style: chr1-11217298-AAGGGCATCCTCCCACTCGTGC-A.
Other names: c.4359_4379del, p.His1454_Leu1460del (NM_001386500.1); c.3111_3131del, p.His1038_Leu1044del (NM_001386501.1).
Identifiers: ClinVar variation 4974565 (VCV004974565.1).